The following is an entry in ClinVar:

ClinVar aggregate classification (germline): Likely pathogenic (0 of 4 stars; one submission).

Conditions:
Intellectual developmental disorder, X-linked, syndromic, Claes-Jensen type. Also called: INTELLECTUAL DEVELOPMENTAL DISORDER, X-LINKED, SYNDROMIC 16; MENTAL RETARDATION, X-LINKED, SYNDROMIC 16; Syndromic X-linked intellectual disability Claes-Jensen type. Identifiers: Orphanet 85279, MedGen C1845243, MONDO:0010355, OMIM 300534.

Submission:

Solve-RD Consortium
Classification: Likely pathogenic for Intellectual developmental disorder, X-linked, syndromic, Claes-Jensen type. Last evaluated: 2022-06-01. Review status: no assertion criteria provided. Collection method: provider interpretation. Allele origin: inherited. Affected: yes.
Comment: Variant confirmed as disease-causing by referring clinical team

Variant identified during reanalysis of unsolved cases by the Solve-RD project. The Solve-RD project has received funding from the European Union’s Horizon 2020 research and innovation programme under grant agreement No 779257.

Literature cited by the submitters: PubMed 39825153.

NM_004187.5(KDM5C):c.1007_1014dup (p.Leu339fs)

Gene: KDM5C (lysine demethylase 5C; minus strand). Cytogenetic location: Xp11.22.
Variant type: Duplication.
Coding change: c.1007_1014dup on transcript NM_004187.5 (MANE Select); coding-DNA positions 1007 to 1014, 8 bases duplicated (ATGACAAG; older notation c.1007_1014dupATGACAAG).
Protein change: p.Leu339fs; shifts the reading frame from leucine 339.
Molecular consequence: frameshift variant. On other transcripts: non-coding transcript variant (3).
Genome position (GRCh38, 1-based): chrX:53,214,797-53,214,804, CTTGTCAT duplicated on the plus strand (ATGACAAG on the coding strand, the reverse complement: KDM5C is on the minus strand); duplicating any 8 consecutive bases within chrX:53,214,797-53,214,805 gives the same sequence; the c. name uses the placement nearest the transcript's 3' end. VCF-style (leftmost placement, unchanged base first): chrX-53214796-G-GCTTGTCAT. GRCh37 (hg19) VCF-style: chrX-53243978-G-GCTTGTCAT.
Other names: c.806_813dup, p.Leu272fs (NM_001146702.2); c.1004_1011dup, p.Leu338fs (NM_001282622.3, NM_001353979.2, NM_001353982.2); c.1007_1014dup, p.Leu339fs (NM_001353978.3, NM_001353981.2, NM_001353984.2); short protein forms L272fs, L338fs, L339fs.
Identifiers: ClinVar variation 3338077 (VCV003338077.1).